The following is an entry in ClinVar:

ClinVar aggregate classification (germline): Pathogenic (1 of 4 stars; one submission).

Conditions:
Dihydropteridine reductase deficiency (HPABH4C). Also called: BH4-Deficient Hyperphenylalaninemia C; HYPERPHENYLALANINEMIA, TETRAHYDROBIOPTERIN-DEFICIENT, DUE TO DHPR DEFICIENCY; QDPR DEFICIENCY; QUINOID DIHYDROPTERIDINE REDUCTASE DEFICIENCY; Phenylketonuria II; DHPR DEFICIENCY. Identifiers: Orphanet 226, Orphanet 238583, MedGen C0268465, MONDO:0009862, OMIM 261630.

Submission:

Labcorp Genetics (formerly Invitae), Labcorp
Classification: Pathogenic for Dihydropteridine reductase deficiency. Last evaluated: 2024-05-21. Review status: criteria provided, single submitter. Criteria: Invitae Variant Classification Sherloc (09022015). Collection method: clinical testing. Allele origin: germline.
Comment: This sequence change creates a premature translational stop signal (p.Val183Leufs*7) in the QDPR gene. It is expected to result in an absent or disrupted protein product. Loss-of-function variants in QDPR are known to be pathogenic (PMID: 7627180, 11153907). This variant is not present in population databases (gnomAD no frequency). This premature translational stop signal has been observed in individual(s) with dihydropteridine reductase deficiency (PMID: 7783174). For these reasons, this variant has been classified as Pathogenic.

Literature cited by the submitters: PubMed 7627180; PubMed 11153907; PubMed 7783174.

NC_000004.12:g.17490746del

Gene: QDPR (quinoid dihydropteridine reductase; minus strand). Cytogenetic location: 4p15.32.
Variant type: Deletion.
Genome position: GRCh38 VCF-style: chr4-17490743-AC-A. GRCh37 (hg19) VCF-style: chr4-17492366-AC-A.
Identifiers: ClinVar variation 3647445 (VCV003647445.2).
Genomic context (GRCh38, chr4:17,490,743, plus strand): 5'-GTCCAGGAGCTGAAGTCAGCCTCAGGCATTGATTTCCTGTTCATCGGGGTATCCAGGGTA[AC>A]CCTGCAATGGACACAGATAAGCACGTCATTCATGTCGCTCCTTTCTAACAACAGGTGCCC-3'